The following is an entry in ClinVar:

NM_015915.5(ATL1):c.863-3T>C

Gene: ATL1 (atlastin GTPase 1; plus strand). Cytogenetic location: 14q22.1.
Variant type: single nucleotide variant.
Coding change: c.863-3T>C on transcript NM_015915.5 (MANE Select); 3 bases into the intron before coding-DNA position 863, T replaced by C.
Molecular consequence: intron variant.
Genome position (GRCh38, 1-based): chr14:50,620,596, T>C. VCF-style: chr14-50620596-T-C. GRCh37 (hg19) VCF-style: chr14-51087314-T-C.
Other names: c.863-3T>C (NM_001127713.1, NM_181598.4).
Identifiers: ClinVar variation 3669780 (VCV003669780.2).

ClinVar aggregate classification (germline): Uncertain significance (1 of 4 stars; one submission).

Conditions:
Hereditary spastic paraplegia 3A (SPG3A). Also called: Spastic paraplegia 3A, autosomal dominant; SPASTIC PARAPLEGIA 3, AUTOSOMAL DOMINANT; FAMILIAL SPASTIC PARAPLEGIA, AUTOSOMAL DOMINANT, 1; SPG3; STRUMPELL DISEASE; Spastic Paraplegia 3A. Identifiers: Orphanet 100984, MedGen C2931355, MONDO:0008437, OMIM 182600.

Submission:

Labcorp Genetics (formerly Invitae), Labcorp
Classification: Uncertain significance for Hereditary spastic paraplegia 3A. Last evaluated: 2024-10-02. Review status: criteria provided, single submitter. Criteria: Invitae Variant Classification Sherloc (09022015). Collection method: clinical testing. Allele origin: germline.
Comment: This sequence change falls in intron 8 of the ATL1 gene. It does not directly change the encoded amino acid sequence of the ATL1 protein. It affects a nucleotide within the consensus splice site. This variant is not present in population databases (gnomAD no frequency). This variant has not been reported in the literature in individuals affected with ATL1-related conditions. Variants that disrupt the consensus splice site are a relatively common cause of aberrant splicing (PMID: 17576681, 9536098). Algorithms developed to predict the effect of sequence changes on RNA splicing suggest that this variant is not likely to affect RNA splicing. In summary, the available evidence is currently insufficient to determine the role of this variant in disease. Therefore, it has been classified as a Variant of Uncertain Significance.

Literature cited by the submitters: PubMed 17576681; PubMed 9536098.